The following is an entry in ClinVar:

ClinVar aggregate classification (germline): Pathogenic. Review status: criteria provided, single submitter (1 of 4 stars). 2 submissions from 2 submitters: Pathogenic (1). 1 of the submissions does not count toward it. Last evaluated 2021-03-27.

Conditions:
Congenital erythropoietic porphyria. Also called: UROPORPHYRINOGEN III SYNTHASE DEFICIENCY; Porphyria, Erythropoietic; Congenital porphyria; Günther disease; Uroporphyrinogen III synthase, deficiency of; Cutaneous porphyria. Identifiers: Orphanet 79277, MedGen C5886774, MONDO:0009902, OMIM 263700.

Allele frequency attached by ClinVar (database versions not stated): TOPMed 0.00002; gnomAD 0.00001; gnomAD exomes 0.00002.
gnomAD v4.1: 12 of 614,840 alleles (0.002%); highest among the groups gnomAD compares: Middle Eastern, 0.042%; no homozygotes.

Submissions (2):

Labcorp Genetics (formerly Invitae), Labcorp
Classification: Pathogenic. Last evaluated: 2021-03-27. Review status: criteria provided, single submitter. Criteria: Invitae Variant Classification Sherloc (09022015). Collection method: clinical testing. Allele origin: germline.
Comment: For these reasons, this variant has been classified as Pathogenic. Experimental studies have shown that this variant affects UROS protein function (PMID: 11254675). This variant has been observed in individual(s) with congenital erythropoietic porphyria (PMID: 11254675). In at least one individual the data is consistent with the variant being in trans (on the opposite chromosome) from a pathogenic variant. This variant is also known as -86C>A. ClinVar contains an entry for this variant (Variation ID: 3764). The frequency data for this variant in the population databases is considered unreliable, as metrics indicate insufficient coverage at this position in the ExAC database. This sequence change falls in intron 1 of the UROS gene. It does not directly change the encoded amino acid sequence of the UROS protein.

OMIM
Classification: Pathogenic for PORPHYRIA, CONGENITAL ERYTHROPOIETIC. Last evaluated: 2001-03-01. Review status: no assertion criteria provided. Collection method: literature only. Allele origin: germline. Not counted in ClinVar's aggregate classification.

Literature cited by the submitters: PubMed 11254675 (cited by Labcorp Genetics (formerly Invitae), Labcorp and OMIM); PubMed 7860775 (cited by OMIM).

NM_000375.3(UROS):c.-26-193C>A

Gene: UROS (uroporphyrinogen III synthase; minus strand). Cytogenetic location: 10q26.2.
Variant type: single nucleotide variant.
Coding change: c.-26-193C>A on transcript NM_000375.3 (MANE Select); 193 bases into the intron before 26 bases upstream of the start codon, C replaced by A.
Molecular consequence: intron variant.
Genome position (GRCh38, 1-based): chr10:125,816,718, G>T on the plus strand (C>A on the coding strand, the complement: UROS is on the minus strand). VCF-style: chr10-125816718-G-T. GRCh37 (hg19) VCF-style: chr10-127505287-G-T.
Other names: -86C-A; c.-26-193C>A (NM_001324038.2, NM_001324037.2, NM_001324036.2 and 1 more transcripts).
Identifiers: ClinVar variation 3764 (VCV000003764.10), dbSNP rs397515350, ClinGen allele CA340123.
Genomic context (GRCh38, chr10:125,816,718, plus strand): 5'-CTTAGCACTAATGGGCTTGTTCTTTCTGAAGACCCCTGTCACTGATAAGGCCAAGAAAGA[G>T]CATGTTAGCAGTTGATATCACTTGGAAAGACAGATGAAACCATTAGTGAAAGCCAAGTGT-3'